The following is an entry in ClinVar:

NM_000321.3(RB1):c.2079A>T (p.Glu693Asp)

Gene: RB1 (RB transcriptional corepressor 1; plus strand). Cytogenetic location: 13q14.2.
Variant type: single nucleotide variant.
Coding change: c.2079A>T on transcript NM_000321.3 (MANE Select); coding-DNA position 2079, A replaced by T.
Protein change: p.Glu693Asp; replaces glutamic acid 693 with aspartic acid.
Molecular consequence: missense variant.
Genome position (GRCh38, 1-based): chr13:48,459,806, A>T. VCF-style: chr13-48459806-A-T. GRCh37 (hg19) VCF-style: chr13-49033942-A-T.
Other names: c.2079A>T, p.Glu693Asp (NM_001407165.1); short protein forms E693D.
Identifiers: ClinVar variation 4543812 (VCV004543812.1).
Genomic context (GRCh38, chr13:48,459,806, plus strand): 5'-CCCAGAATTAGAACATATCATCTGGACCCTTTTCCAGCACACCCTGCAGAATGAGTATGA[A>T]CTCATGAGAGACAGGCATTTGGACCAAGTAAGAAAATCAAGCACTTCACCTTCTCTCCTC-3'
Protein context (NP_000312.2, residues 683-703): LFQHTLQNEY[Glu693Asp]LMRDRHLDQI

ClinVar aggregate classification (germline): Uncertain significance (1 of 4 stars; one submission).

Conditions:
Hereditary cancer-predisposing syndrome. Also called: Tumor predisposition; Hereditary Cancer Syndrome; Hereditary neoplastic syndrome; Neoplastic Syndromes, Hereditary. Identifiers: Orphanet 140162, MedGen C0027672, MeSH D009386, MONDO:0015356.

Submission:

Ambry Genetics
Classification: Uncertain significance for Hereditary cancer-predisposing syndrome. Last evaluated: 2025-09-25. Review status: criteria provided, single submitter. Criteria: Ambry Variant Classification Scheme 2023. Collection method: clinical testing. Allele origin: germline.
Comment: The p.E693D variant (also known as c.2079A>T), located in coding exon 20 of the RB1 gene, results from an A to T substitution at nucleotide position 2079. The glutamic acid at codon 693 is replaced by aspartic acid, an amino acid with highly similar properties. This amino acid position is conserved. In addition, this alteration is predicted to be tolerated by in silico analysis. Based on the available evidence, the clinical significance of this variant remains unclear.